The following is an entry in ClinVar:

ClinVar aggregate classification (germline): Uncertain significance (1 of 4 stars; one submission).

Submission:

Labcorp Genetics (formerly Invitae), Labcorp
Classification: Uncertain significance. Last evaluated: 2022-12-07. Review status: criteria provided, single submitter. Criteria: Invitae Variant Classification Sherloc (09022015). Collection method: clinical testing. Allele origin: germline.
Comment: Algorithms developed to predict the effect of missense changes on protein structure and function are either unavailable or do not agree on the potential impact of this missense change (SIFT: "Deleterious"; PolyPhen-2: "Probably Damaging"; Align-GVGD: "Class C0"). ClinVar contains an entry for this variant (Variation ID: 1719929). This variant has not been reported in the literature in individuals affected with HPS1-related conditions. This variant is not present in population databases (gnomAD no frequency). This sequence change replaces proline, which is neutral and non-polar, with histidine, which is basic and polar, at codon 269 of the HPS1 protein (p.Pro269His). In summary, the available evidence is currently insufficient to determine the role of this variant in disease. Therefore, it has been classified as a Variant of Uncertain Significance.

NM_000195.5(HPS1):c.806C>A (p.Pro269His)

Gene: HPS1 (HPS1 biogenesis of lysosomal organelles complex 3 subunit 1; minus strand). Cytogenetic location: 10q24.2.
Variant type: single nucleotide variant.
Coding change: c.806C>A on transcript NM_000195.5 (MANE Select); coding-DNA position 806, C replaced by A.
Protein change: p.Pro269His; replaces proline 269 with histidine.
Molecular consequence: missense variant. On other transcripts: 5 prime UTR variant (1), intron variant (8).
Genome position (GRCh38, 1-based): chr10:98,429,852, G>T on the plus strand (C>A on the coding strand, the complement: HPS1 is on the minus strand). VCF-style: chr10-98429852-G-T. GRCh37 (hg19) VCF-style: chr10-100189609-G-T.
Other names: c.806C>A, p.Pro269His (NM_001322476.2, NM_001322477.2, NM_182639.4); c.545C>A, p.Pro182His (NM_001322480.2, NM_001322481.2); c.437C>A, p.Pro146His (NM_001322483.2, NM_001322484.2); c.-167C>A (NM_001322487.2); c.688C>A, p.Pro230Thr (NM_001322490.2); c.769-210C>A (NM_001322478.2, NM_001322479.2, NM_001322491.2); c.400-210C>A (NM_001322485.2); c.508-210C>A (NM_001322482.2); and 2 more; short protein forms P146H, P182H, P230T, P269H.
Identifiers: ClinVar variation 1719929 (VCV001719929.3), dbSNP rs1846161808, ClinGen allele CA378051621.